The following is an entry in ClinVar:

ClinVar aggregate classification (germline): Uncertain significance (1 of 4 stars; one submission).

Submission:

Women's Health and Genetics/Laboratory Corporation of America, LabCorp
Classification: Uncertain significance. Last evaluated: 2026-06-08. Review status: criteria provided, single submitter. Criteria: LabCorp Variant Classification Summary - May 2015. Collection method: clinical testing. Allele origin: germline.
Comment: Variant summary: ETHE1 c.595+6G>A alters a conserved nucleotide located close to a canonical splice site and therefore could affect mRNA splicing, leading to a significantly altered protein sequence. Consensus agreement among computation tools predict no significant impact on normal splicing. However, these predictions have yet to be confirmed by functional studies. The variant was absent in 228492 control chromosomes. The available data on variant occurrences in the general population are insufficient to allow any conclusion about variant significance. To our knowledge, no occurrence of c.595+6G>A in individuals affected with ETHE1-related conditions and no experimental evidence demonstrating its impact on protein function have been reported. No submitters have cited clinical-significance assessments for this variant to ClinVar. Based on the evidence outlined above, the variant was classified as uncertain significance.

NM_014297.5(ETHE1):c.595+6G>A

Gene: ETHE1 (ETHE1 persulfide dioxygenase; minus strand). Cytogenetic location: 19q13.31.
Variant type: single nucleotide variant.
Coding change: c.595+6G>A on transcript NM_014297.5 (MANE Select); 6 bases into the intron after coding-DNA position 595, G replaced by A.
Molecular consequence: intron variant.
Genome position (GRCh38, 1-based): chr19:43,508,769, C>T on the plus strand (G>A on the coding strand, the complement: ETHE1 is on the minus strand). VCF-style: chr19-43508769-C-T. GRCh37 (hg19) VCF-style: chr19-44012921-C-T.
Other names: c.226+6G>A (NM_001320868.2); c.562+6G>A (NM_001320867.2); c.301+6G>A (NM_001320869.2).
Identifiers: ClinVar variation 4887444 (VCV004887444.1).